The following is an entry in ClinVar:

ClinVar aggregate classification (germline): Likely benign (1 of 4 stars; one submission).

Conditions:
PLXNA1-related disorder. Also called: PLXNA1-related condition.

gnomAD v4.1: 1 of 1,607,084 alleles (0.000062%); highest among the groups gnomAD compares: Non-Finnish European, 0.000085%; no homozygotes.

Submission:

PreventionGenetics, part of Exact Sciences
Classification: Likely benign for PLXNA1-related condition. Last evaluated: 2025-05-16. Review status: criteria provided, single submitter. Criteria: ACMG Guidelines, 2015. Collection method: clinical testing. Allele origin: germline.
Comment: This variant is classified as likely benign based on ACMG/AMP sequence variant interpretation guidelines (Richards et al. 2015 PMID: 25741868, with internal and published modifications).

NM_032242.4(PLXNA1):c.4669+9G>A

Gene: PLXNA1 (plexin A1; plus strand). Cytogenetic location: 3q21.3.
Variant type: single nucleotide variant.
Coding change: c.4669+9G>A on transcript NM_032242.4 (MANE Select); 9 bases into the intron after coding-DNA position 4669, G replaced by A.
Molecular consequence: intron variant.
Genome position (GRCh38, 1-based): chr3:127,028,349, G>A. VCF-style: chr3-127028349-G-A. GRCh37 (hg19) VCF-style: chr3-126747192-G-A.
Identifiers: ClinVar variation 4998626 (VCV004998626.1).